The following is an entry in ClinVar:

NM_001378452.1(ITPR1):c.3195C>T (p.His1065=)

Gene: ITPR1 (inositol 1,4,5-trisphosphate receptor type 1; plus strand). Cytogenetic location: 3p26.1.
Variant type: single nucleotide variant.
Coding change: c.3195C>T on transcript NM_001378452.1 (MANE Select); coding-DNA position 3195, C replaced by T.
Protein change: p.His1065=; no amino-acid change (histidine 1065 retained).
Molecular consequence: synonymous variant.
Genome position (GRCh38, 1-based): chr3:4,683,419, C>T. VCF-style: chr3-4683419-C-T. GRCh37 (hg19) VCF-style: chr3-4725103-C-T.
Other names: c.3168C>T, p.His1056= (NM_001099952.4); c.3150C>T, p.His1050= (NM_001168272.2); c.3123C>T, p.His1041= (NM_002222.7); c.3150C>T (NM_001168272.1).
Identifiers: ClinVar variation 345722 (VCV000345722.34), dbSNP rs745351516, ClinGen allele CA2231623.
Genomic context (GRCh38, chr3:4,683,419, plus strand): 5'-GCCTTTCCCCACCTTGTGCTCCTTTAGTGAGGAGAACACCCCACTGGACTTGGATGACCA[C>T]GGCGGCAGAACCTTTCTCCGTGTCCTGCTCCACTTGACGATGCATGACTACCCACCCCTG-3'
Protein context (NP_001365381.1, residues 1055-1075): EENTPLDLDD[His1065=]GGRTFLRVLL

ClinVar aggregate classification (germline): Likely benign. Review status: criteria provided, multiple submitters, no conflicts (2 of 4 stars). 6 submissions from 6 submitters: Likely benign (6). Last evaluated 2025-05-01.

Conditions:
Autosomal dominant cerebellar ataxia. Also called: Spinocerebellar Ataxia, Dominant. Identifiers: Orphanet 99, MedGen C4087347, MONDO:0020380.

Allele frequency attached by ClinVar (database versions not stated): gnomAD 0.00003 and 0.00004; ExAC 0.00004; gnomAD exomes 0.00005 and 0.00008.
gnomAD v4.1: 147 of 1,614,044 alleles (0.0091%); highest among the groups gnomAD compares: South Asian, 0.0099%; no homozygotes.

Submissions (6):

CeGaT Center for Human Genetics Tuebingen
Classification: Likely benign. Last evaluated: 2025-05-01. Review status: criteria provided, single submitter. Criteria: CeGaT Center For Human Genetics Tuebingen Variant Classification Criteria Version 2. Collection method: clinical testing. Allele origin: germline. Affected: yes. Observed: 2 variant alleles.
Comment: ITPR1: BP4, BP7

Labcorp Genetics (formerly Invitae), Labcorp
Classification: Likely benign. Last evaluated: 2025-03-19. Review status: criteria provided, single submitter. Criteria: Invitae Variant Classification Sherloc (09022015). Collection method: clinical testing. Allele origin: germline.

Blueprint Genetics
Classification: Likely benign. Last evaluated: 2024-10-28. Review status: criteria provided, single submitter. Criteria: ACMG Guidelines, 2015. Collection method: clinical testing. Allele origin: germline.

Athena Diagnostics
Classification: Likely benign. Last evaluated: 2024-07-12. Review status: criteria provided, single submitter. Criteria: Athena Diagnostics Criteria. Collection method: clinical testing. Allele origin: unknown.

GeneDx
Classification: Likely benign. Last evaluated: 2020-01-10. Review status: criteria provided, single submitter. Criteria: GeneDx Variant Classification Process June 2021. Collection method: clinical testing. Allele origin: germline. Affected: yes.

Illumina Laboratory Services, Illumina
Classification: Likely benign for Spinocerebellar Ataxia, Dominant. Last evaluated: 2018-01-12. Review status: criteria provided, single submitter. Criteria: ICSL Variant Classification Criteria 13 December 2019. Collection method: clinical testing. Allele origin: germline.
Comment: This variant was observed in the ICSL laboratory as part of a predisposition screen in an ostensibly healthy population. It had not been previously curated by ICSL or reported in the Human Gene Mutation Database (HGMD: prior to June 1st, 2018), and was therefore a candidate for classification through an automated scoring system. Utilizing variant allele frequency, disease prevalence and penetrance estimates, and inheritance mode, an automated score was calculated to assess if this variant is too frequent to cause the disease. Based on the score and internal cut-off values, a variant classified as likely benign is not then subjected to further curation. The score for this variant resulted in a classification of likely benign for this disease.